The following is an entry in ClinVar:

NM_001128840.3(CACNA1D):c.2392A>G (p.Asn798Asp)

Gene: CACNA1D (calcium voltage-gated channel subunit alpha1 D; plus strand). Cytogenetic location: 3p21.1.
Variant type: single nucleotide variant.
Coding change: c.2392A>G on transcript NM_001128840.3 (MANE Select); coding-DNA position 2392, A replaced by G.
Protein change: p.Asn798Asp; replaces asparagine 798 with aspartic acid.
Molecular consequence: missense variant.
Genome position (GRCh38, 1-based): chr3:53,731,132, A>G. VCF-style: chr3-53731132-A-G. GRCh37 (hg19) VCF-style: chr3-53765159-A-G.
Other names: c.2452A>G, p.Asn818Asp (NM_000720.4); c.2392A>G, p.Asn798Asp (NM_001128839.3); short protein forms N798D, N818D.
Identifiers: ClinVar variation 2131105 (VCV002131105.4), dbSNP rs2473776938, ClinGen allele CA353240787.

ClinVar aggregate classification (germline): Uncertain significance (1 of 4 stars; one submission).

Submission:

Labcorp Genetics (formerly Invitae), Labcorp
Classification: Uncertain significance. Last evaluated: 2022-04-28. Review status: criteria provided, single submitter. Criteria: Invitae Variant Classification Sherloc (09022015). Collection method: clinical testing. Allele origin: germline.
Comment: This variant is not present in population databases (gnomAD no frequency). In summary, the available evidence is currently insufficient to determine the role of this variant in disease. Therefore, it has been classified as a Variant of Uncertain Significance. Algorithms developed to predict the effect of missense changes on protein structure and function (SIFT, PolyPhen-2, Align-GVGD) all suggest that this variant is likely to be tolerated. This variant has not been reported in the literature in individuals affected with CACNA1D-related conditions. This sequence change replaces asparagine, which is neutral and polar, with aspartic acid, which is acidic and polar, at codon 818 of the CACNA1D protein (p.Asn818Asp).